The following is an entry in ClinVar:

ClinVar aggregate classification (germline): Uncertain significance (1 of 4 stars; one submission).

Conditions:
Mitochondrial complex V (ATP synthase) deficiency, nuclear type 2. Also called: ENCEPHALOCARDIOMYOPATHY, MITOCHONDRIAL, NEONATAL, DUE TO ATP SYNTHASE DEFICIENCY; MITOCHONDRIAL COMPLEX V (ATP SYNTHASE) DEFICIENCY, TMEM70 TYPE; Nuclear-Encoded ATPase Deficiency, TMEM70-Related. Identifiers: Orphanet 1194, MedGen C3279699, MONDO:0013546, OMIM 614052.

Allele frequency attached by ClinVar (database versions not stated): gnomAD exomes below 0.00001.
gnomAD v4.1: 2 of 1,592,854 alleles (0.00013%); highest among the groups gnomAD compares: Non-Finnish European, 0.00017%; no homozygotes.

Submission:

Labcorp Genetics (formerly Invitae), Labcorp
Classification: Uncertain significance for Mitochondrial complex V (ATP synthase) deficiency, nuclear type 2. Last evaluated: 2022-03-03. Review status: criteria provided, single submitter. Criteria: Invitae Variant Classification Sherloc (09022015). Collection method: clinical testing. Allele origin: germline.
Comment: This sequence change disrupts the translational stop signal of the TMEM70 mRNA. It is expected to extend the length of the TMEM70 protein by 17 additional amino acid residues. This variant is present in population databases (no rsID available, gnomAD 0.0009%). This protein extension has been observed in individual(s) with clinical features of TMEM70-related conditions (PMID: 24740313). ClinVar contains an entry for this variant (Variation ID: 632525). In summary, the available evidence is currently insufficient to determine the role of this variant in disease. Therefore, it has been classified as a Variant of Uncertain Significance.

Literature cited by the submitters: PubMed 24740313.

NM_017866.6(TMEM70):c.782G>C (p.Ter261Ser)

Gene: TMEM70 (transmembrane protein 70; plus strand). Cytogenetic location: 8q21.11.
Variant type: single nucleotide variant.
Coding change: c.782G>C on transcript NM_017866.6 (MANE Select); coding-DNA position 782, G replaced by C.
Protein change: p.Ter261Ser.
Molecular consequence: stop lost. On other transcripts: 3 prime UTR variant (1), non-coding transcript variant (1).
Genome position (GRCh38, 1-based): chr8:73,981,620, G>C. VCF-style: chr8-73981620-G-C. GRCh37 (hg19) VCF-style: chr8-74893855-G-C.
Other names: *261S; c.*472G>C (NM_001040613.3).
Identifiers: ClinVar variation 632525 (VCV000632525.5), dbSNP rs1330067430, ClinGen allele CA371490744.